The following is an entry in ClinVar:

NM_001184.4(ATR):c.3335A>T (p.Asp1112Val)

Gene: ATR (ATR checkpoint kinase; minus strand). Cytogenetic location: 3q23.
Variant type: single nucleotide variant.
Coding change: c.3335A>T on transcript NM_001184.4 (MANE Select); coding-DNA position 3335, A replaced by T.
Protein change: p.Asp1112Val; replaces aspartic acid 1112 with valine.
Molecular consequence: missense variant.
Genome position (GRCh38, 1-based): chr3:142,547,747, T>A on the plus strand (A>T on the coding strand, the complement: ATR is on the minus strand). VCF-style: chr3-142547747-T-A. GRCh37 (hg19) VCF-style: chr3-142266589-T-A.
Other names: c.3143A>T, p.Asp1048Val (NM_001354579.2); short protein forms D1112V, D1048V.
Identifiers: ClinVar variation 2587587 (VCV002587587.2), dbSNP rs778004569, ClinGen allele CA354810365.

ClinVar aggregate classification (germline): Uncertain significance (1 of 4 stars; one submission).

Conditions:
Inborn genetic diseases. Identifiers: MedGen C0950123, MeSH D030342.

Submission:

Ambry Genetics
Classification: Uncertain significance for Inborn genetic diseases. Last evaluated: 2023-08-30. Review status: criteria provided, single submitter. Criteria: Ambry Variant Classification Scheme 2023. Collection method: clinical testing. Allele origin: germline.
Comment: The p.D1112V variant (also known as c.3335A>T), located in coding exon 16 of the ATR gene, results from an A to T substitution at nucleotide position 3335. The aspartic acid at codon 1112 is replaced by valine, an amino acid with highly dissimilar properties. This amino acid position is conserved. In addition, this alteration is predicted to be tolerated by in silico analysis. Since supporting evidence is limited at this time, the clinical significance of this alteration remains unclear.